The following is an entry in ClinVar:

ClinVar aggregate classification (germline): Uncertain significance (1 of 4 stars; one submission).

Submission:

GeneDx
Classification: Uncertain significance. Last evaluated: 2023-05-15. Review status: criteria provided, single submitter. Criteria: GeneDx Variant Classification Process June 2021. Collection method: clinical testing. Allele origin: germline. Affected: yes.
Comment: Not observed at significant frequency in large population cohorts (gnomAD); In silico analysis supports that this missense variant has a deleterious effect on protein structure/function; Has not been previously published as pathogenic or benign to our knowledge

NM_002471.4(MYH6):c.1279G>C (p.Ala427Pro)

Gene: MYH6 (myosin heavy chain 6; minus strand). Cytogenetic location: 14q11.2.
Variant type: single nucleotide variant.
Coding change: c.1279G>C on transcript NM_002471.4 (MANE Select); coding-DNA position 1279, G replaced by C.
Protein change: p.Ala427Pro; replaces alanine 427 with proline.
Molecular consequence: missense variant.
Genome position (GRCh38, 1-based): chr14:23,400,840, C>G on the plus strand (G>C on the coding strand, the complement: MYH6 is on the minus strand). VCF-style: chr14-23400840-C-G. GRCh37 (hg19) VCF-style: chr14-23870049-C-G.
Other names: short protein forms A427P.
Identifiers: ClinVar variation 2662383 (VCV002662383.1), dbSNP rs2502193325, ClinGen allele CA389023950.
Genomic context (GRCh38, chr14:23,400,840, plus strand): 5'-TGGCGTTGATGCGCGTCACCATCCAGTTGAACATCTTCTCATACACTGCCTTGGCCAGAG[C>G]CCCGATGGAGTAGTACACCTGCTGCACGCTCTGCCCCTTGGTGACATACTCGTTGCCCAC-3'
Protein context (NP_002462.2, residues 417-437): SVQQVYYSIG[Ala427Pro]LAKAVYEKMF